The following is an entry in ClinVar:

NM_006079.5(CITED2):c.114CCA[1] (p.His39del)

Gene: CITED2 (Cbp/p300 interacting transactivator with ED-rich tail 2; minus strand). Cytogenetic location: 6q24.1.
Variant type: Microsatellite.
Coding change: c.114CCA[1] on transcript NM_006079.5 (MANE Select); one copy of the 3-base unit CCA starting at c.114; the reference has two copies in a row; one copy, 3 bases deleted.
Protein change: p.His39del; deletes histidine 39.
Molecular consequence: inframe deletion.
Genome position (GRCh38, 1-based): chr6:139,373,826-139,373,828, TGG deleted on the plus strand (CCA on the coding strand, the reverse complement: CITED2 is on the minus strand); deleting any 3 consecutive bases within chr6:139,373,826-139,373,833 gives the same sequence; the position shown is the placement nearest the transcript's 3' end. VCF-style (leftmost placement, unchanged base first): chr6-139373825-CTGG-C. GRCh37 (hg19) VCF-style: chr6-139694962-CTGG-C.
Other names: c.114CCA[1], p.His39del (NM_001168388.3); c.129CCA[1], p.His44del (NM_001168389.3); c.132_134delCCA (NM_001168389.2); short protein forms H39del, H44del.
Identifiers: ClinVar variation 1033069 (VCV001033069.20), dbSNP rs749590293, ClinGen allele CA4025716.

ClinVar aggregate classification (germline): Conflicting classifications of pathogenicity. Review status: criteria provided, conflicting classifications (1 of 4 stars). 9 submissions from 9 submitters: Uncertain significance (2); Likely benign (2). 5 of the submissions do not count toward it. Last evaluated 2026-08-01.

Conditions:
Atrial septal defect 8 (ASD8). Identifiers: Orphanet 1478, MedGen C3280790, MONDO:0013750, OMIM 614433.
CITED2-related disorder. Also called: CITED2-related condition.

Submissions (9):

CeGaT Center for Human Genetics Tuebingen
Classification: Likely benign. Last evaluated: 2026-08-01. Review status: criteria provided, single submitter. Criteria: CeGaT Center For Human Genetics Tuebingen Variant Classification Criteria Version 2. Collection method: clinical testing. Allele origin: germline. Affected: yes. Observed: 3 variant alleles.
Comment: CITED2: PM4:Supporting, BS1

Blueprint Genetics
Classification: Likely benign. Last evaluated: 2024-09-18. Review status: criteria provided, single submitter. Criteria: ACMG Guidelines, 2015. Collection method: clinical testing. Allele origin: germline.

Mendelics
Classification: Uncertain significance. Last evaluated: 2022-05-04. Review status: criteria provided, single submitter. Criteria: Mendelics Assertion Criteria 2019. Collection method: clinical testing. Allele origin: germline.

Baylor Genetics
Classification: Uncertain significance for Atrial septal defect 8. Last evaluated: 2018-04-30. Review status: criteria provided, single submitter. Criteria: ACMG Guidelines, 2015. Collection method: clinical testing. Allele origin: paternal. Affected: yes.
Comment: This variant was determined to be of uncertain significance according to ACMG Guidelines, 2015 [PMID:25741868].

PreventionGenetics, part of Exact Sciences
Classification: Likely benign for CITED2-related condition. Last evaluated: 2022-06-23. Review status: no assertion criteria provided. Collection method: clinical testing. Allele origin: germline. Not counted in ClinVar's aggregate classification.
Comment: This variant is classified as likely benign based on ACMG/AMP sequence variant interpretation guidelines (Richards et al. 2015 PMID: 25741868, with internal and published modifications).

Clinical Genetics DNA and cytogenetics Diagnostics Lab, Erasmus MC, Erasmus Medical Center
Classification: Likely benign. Review status: no assertion criteria provided. Collection method: clinical testing. Allele origin: germline. Affected: yes. Study: VKGL Data-share Consensus. Not counted in ClinVar's aggregate classification.

Diagnostic Laboratory, Department of Genetics, University Medical Center Groningen
Classification: Likely benign. Review status: no assertion criteria provided. Collection method: clinical testing. Allele origin: germline. Affected: yes. Study: VKGL Data-share Consensus. Not counted in ClinVar's aggregate classification.

Genome Diagnostics Laboratory, University Medical Center Utrecht
Classification: Benign. Review status: no assertion criteria provided. Collection method: clinical testing. Allele origin: germline. Affected: yes. Study: VKGL Data-share Consensus. Not counted in ClinVar's aggregate classification.

Joint Genome Diagnostic Labs from Nijmegen and Maastricht, Radboudumc and MUMC+
Classification: Likely benign. Review status: no assertion criteria provided. Collection method: clinical testing. Allele origin: germline. Affected: yes. Study: VKGL Data-share Consensus. Not counted in ClinVar's aggregate classification.